The following is an entry in ClinVar:

NM_152490.5(B3GALNT2):c.1469G>A (p.Arg490Gln)

Genes: B3GALNT2 (beta-1,3-N-acetylgalactosaminyltransferase 2; minus strand), TBCE (tubulin folding cofactor E; plus strand). Cytogenetic location: 1q42.3.
Variant type: single nucleotide variant.
Coding change: c.1469G>A on transcript NM_152490.5 (MANE Select); coding-DNA position 1469, G replaced by A.
Protein change: p.Arg490Gln; replaces arginine 490 with glutamine.
Molecular consequence: missense variant. On other transcripts: 3 prime UTR variant (4).
Genome position (GRCh38, 1-based): chr1:235,450,240, C>T on the plus strand (G>A on the coding strand, the complement: B3GALNT2 is on the minus strand). VCF-style: chr1-235450240-C-T. GRCh37 (hg19) VCF-style: chr1-235613555-C-T.
Other names: c.*1478C>T (NM_001079515.3, NM_001287801.2, NM_001287802.2 and 1 more transcripts); short protein forms R490Q.
Identifiers: ClinVar variation 2143038 (VCV002143038.1), dbSNP rs765882953, ClinGen allele CA1464577.

ClinVar aggregate classification (germline): Uncertain significance (1 of 4 stars; one submission).

Conditions:
Muscular dystrophy-dystroglycanopathy (congenital with brain and eye anomalies), type a, 11 (MDDGA11). Also called: Congenital muscular dystrophy-dystroglycanopathy with brain and eye anomalies, type A11; Muscular dystrophy-dystroglycanopathy (congenital with brain and eye anomalies, type A, 11; WALKER-WARBURG SYNDROME OR MUSCLE-EYE-BRAIN DISEASE, B3GALNT2-RELATED. Identifiers: Orphanet 588, Orphanet 899, MedGen C3554638, MONDO:0014071, OMIM 615181.

Allele frequency attached by ClinVar (database versions not stated): gnomAD 0.00001; ExAC 0.00002.
gnomAD v4.1: 11 of 1,613,996 alleles (0.00068%); highest among the groups gnomAD compares: Admixed American, 0.0033%; no homozygotes.

Submission:

Labcorp Genetics (formerly Invitae), Labcorp
Classification: Uncertain significance for Muscular dystrophy-dystroglycanopathy (congenital with brain and eye anomalies), type a, 11. Last evaluated: 2022-05-25. Review status: criteria provided, single submitter. Criteria: Invitae Variant Classification Sherloc (09022015). Collection method: clinical testing. Allele origin: germline.
Comment: This sequence change replaces arginine, which is basic and polar, with glutamine, which is neutral and polar, at codon 490 of the B3GALNT2 protein (p.Arg490Gln). This variant is present in population databases (rs765882953, gnomAD 0.01%). This variant has not been reported in the literature in individuals affected with B3GALNT2-related conditions. Algorithms developed to predict the effect of missense changes on protein structure and function (SIFT, PolyPhen-2, Align-GVGD) all suggest that this variant is likely to be tolerated. In summary, the available evidence is currently insufficient to determine the role of this variant in disease. Therefore, it has been classified as a Variant of Uncertain Significance.